The following is an entry in ClinVar:

NM_000051.4(ATM):c.7090-1G>A

Genes: ATM (ATM serine/threonine kinase; plus strand), C11orf65 (chromosome 11 open reading frame 65; minus strand). Cytogenetic location: 11q22.3.
Variant type: single nucleotide variant.
Coding change: c.7090-1G>A on transcript NM_000051.4 (MANE Select); the canonical splice acceptor site of the intron before coding-DNA position 7090, G replaced by A.
Molecular consequence: splice acceptor variant. On other transcripts: intron variant (2).
Genome position (GRCh38, 1-based): chr11:108,329,020, G>A. VCF-style: chr11-108329020-G-A. GRCh37 (hg19) VCF-style: chr11-108199747-G-A.
Other names: c.7090-1G>A (NM_001351834.2); c.641-19949C>T (NM_001330368.2); c.*38+6200C>T (NM_001351110.2).
Identifiers: ClinVar variation 3148135 (VCV003148135.1), dbSNP rs2085972658, ClinGen allele CA382559373.

ClinVar aggregate classification (germline): Likely pathogenic (1 of 4 stars; one submission).

Conditions:
Familial cancer of breast. Also called: hereditary breast carcinoma; BREAST CANCER, FAMILIAL; Hereditary breast cancer. Identifiers: Orphanet 227535, MedGen C0346153, MONDO:0016419, OMIM 114480. Disease mechanism: loss of function.

Allele frequency attached by ClinVar (database versions not stated): gnomAD 0.00001.
gnomAD v4.1: 1 of 1,613,300 alleles (0.000062%); highest among the groups gnomAD compares: South Asian, 0.0011%; no homozygotes.

Submission:

Myriad Genetics, Inc.
Classification: Likely pathogenic for Familial cancer of breast. Last evaluated: 2024-01-30. Review status: criteria provided, single submitter. Criteria: Myriad Autosomal Dominant, Autosomal Recessive and X-Linked Classification Criteria (2023). Collection method: clinical testing. Allele origin: unknown.
Comment: This variant is considered likely pathogenic. This variant occurs within a consensus splice junction and is predicted to result in abnormal mRNA splicing of either an out-of-frame exon or an in-frame exon necessary for protein stability and/or normal function.